The following is an entry in ClinVar:

NM_203446.3(SYNJ1):c.*7A>G

Gene: SYNJ1 (synaptojanin 1; minus strand). Cytogenetic location: 21q22.11.
Variant type: single nucleotide variant.
Coding change: c.*7A>G on transcript NM_203446.3 (MANE Select); 7 bases downstream of the stop codon, A replaced by G.
Molecular consequence: 3 prime UTR variant. On other transcripts: missense variant (2).
Genome position (GRCh38, 1-based): chr21:32,631,798, T>C on the plus strand (A>G on the coding strand, the complement: SYNJ1 is on the minus strand). VCF-style: chr21-32631798-T-C. GRCh37 (hg19) VCF-style: chr21-34004108-T-C.
Other names: c.*7A>G (NM_001160302.2); c.3778A>G, p.Lys1260Glu (NM_001160306.2); c.4036A>G, p.Lys1346Glu (NM_003895.4); short protein forms K1346E, K1260E.
Identifiers: ClinVar variation 1937391 (VCV001937391.3), dbSNP rs2039339259, ClinGen allele CA410083877.
Genomic context (GRCh38, chr21:32,631,798, plus strand): 5'-CTTCAAATGGGTCAATCTTTAATGGTGATTCTCTTTTGCCATCAGAGATTCCATTTGTTT[T>C]TACCTGCAAAAGAAAGGGAGCACTGAAAAATCAGTTTATATTTACTCTTAATACCCCCTA-3'

ClinVar aggregate classification (germline): Uncertain significance (1 of 4 stars; one submission).

Conditions:
Developmental and epileptic encephalopathy, 53. Also called: Epileptic encephalopathy, early infantile, 53. Identifiers: MedGen C4479313, MONDO:0033362, OMIM 617389.
Early-onset Parkinson disease 20. Also called: PARKINSON DISEASE 20, AUTOSOMAL RECESSIVE EARLY-ONSET. Identifiers: Orphanet 391411, MedGen C3809824, MONDO:0014233, OMIM 615530.

Allele frequency attached by ClinVar (database versions not stated): TOPMed below 0.00001; gnomAD 0.00001; gnomAD exomes 0.00001.
gnomAD v4.1: 10 of 1,606,178 alleles (0.00062%); highest among the groups gnomAD compares: Non-Finnish European, 0.00085%; no homozygotes.

Submission:

Labcorp Genetics (formerly Invitae), Labcorp
Classification: Uncertain significance for Developmental and epileptic encephalopathy, 53; Early-onset Parkinson disease 20. Last evaluated: 2022-01-21. Review status: criteria provided, single submitter. Criteria: Invitae Variant Classification Sherloc (09022015). Collection method: clinical testing. Allele origin: germline.
Comment: In summary, the available evidence is currently insufficient to determine the role of this variant in disease. Therefore, it has been classified as a Variant of Uncertain Significance. Algorithms developed to predict the effect of sequence changes on RNA splicing suggest that this variant may create or strengthen a splice site. Algorithms developed to predict the effect of missense changes on protein structure and function (SIFT, PolyPhen-2, Align-GVGD) all suggest that this variant is likely to be tolerated. This variant has not been reported in the literature in individuals affected with SYNJ1-related conditions. This variant is not present in population databases (gnomAD no frequency). This sequence change replaces lysine, which is basic and polar, with glutamic acid, which is acidic and polar, at codon 1346 of the SYNJ1 protein (p.Lys1346Glu).